The following is an entry in ClinVar:

NM_152383.5(DIS3L2):c.1207A>T (p.Asn403Tyr)

Gene: DIS3L2 (DIS3 like 3'-5' exoribonuclease 2; plus strand). Cytogenetic location: 2q37.1.
Variant type: single nucleotide variant.
Coding change: c.1207A>T on transcript NM_152383.5 (MANE Select); coding-DNA position 1207, A replaced by T.
Protein change: p.Asn403Tyr; replaces asparagine 403 with tyrosine.
Molecular consequence: missense variant. On other transcripts: non-coding transcript variant (2).
Genome position (GRCh38, 1-based): chr2:232,238,535, A>T. VCF-style: chr2-232238535-A-T. GRCh37 (hg19) VCF-style: chr2-233103245-A-T.
Other names: c.1207A>T, p.Asn403Tyr (NM_001257281.2); short protein forms N403Y.
Identifiers: ClinVar variation 1043166 (VCV001043166.8), dbSNP rs1692995886, ClinGen allele CA351154554.

ClinVar aggregate classification (germline): Uncertain significance (1 of 4 stars; one submission).

Conditions:
Perlman syndrome (PRLMNS). Identifiers: Orphanet 2849, MedGen C0796113, MONDO:0009965, OMIM 267000.

Submission:

Labcorp Genetics (formerly Invitae), Labcorp
Classification: Uncertain significance for Perlman syndrome. Last evaluated: 2022-08-27. Review status: criteria provided, single submitter. Criteria: Invitae Variant Classification Sherloc (09022015). Collection method: clinical testing. Allele origin: germline.
Comment: In summary, the available evidence is currently insufficient to determine the role of this variant in disease. Therefore, it has been classified as a Variant of Uncertain Significance. This sequence change replaces asparagine, which is neutral and polar, with tyrosine, which is neutral and polar, at codon 403 of the DIS3L2 protein (p.Asn403Tyr). This variant is not present in population databases (gnomAD no frequency). This variant has not been reported in the literature in individuals affected with DIS3L2-related conditions. ClinVar contains an entry for this variant (Variation ID: 1043166). Algorithms developed to predict the effect of missense changes on protein structure and function are either unavailable or do not agree on the potential impact of this missense change (SIFT: "Deleterious"; PolyPhen-2: "Possibly Damaging"; Align-GVGD: "Class C0").